The following is an entry in ClinVar:

NM_006904.7(PRKDC):c.9622G>A (p.Val3208Met)

Gene: PRKDC (protein kinase, DNA-activated, catalytic subunit; minus strand). Cytogenetic location: 8q11.21.
Variant type: single nucleotide variant.
Coding change: c.9622G>A on transcript NM_006904.7 (MANE Select); coding-DNA position 9622, G replaced by A.
Protein change: p.Val3208Met; replaces valine 3208 with methionine.
Molecular consequence: missense variant.
Genome position (GRCh38, 1-based): chr8:47,807,262, C>T on the plus strand (G>A on the coding strand, the complement: PRKDC is on the minus strand). VCF-style: chr8-47807262-C-T. GRCh37 (hg19) VCF-style: chr8-48719823-C-T.
Other names: c.9622G>A, p.Val3208Met (NM_001081640.2); short protein forms V3208M.
Identifiers: ClinVar variation 1435470 (VCV001435470.6), dbSNP rs746882589, ClinGen allele CA4739522.
Genomic context (GRCh38, chr8:47,807,262, plus strand): 5'-TGATATCTTCTTCCTGCTCTTGCACTTCCATCCTGTCACTGGGGTCTCCATCTTGATCCA[C>T]ATTCATACTATTATCTTCTGGAAGAGGGGTAAGCTTCTCCTCTATTTTGCTGAGAAAGAA-3'
Protein context (NP_008835.5, residues 3198-3218): TPLPEDNSMN[Val3208Met]DQDGDPSDRM

ClinVar aggregate classification (germline): Uncertain significance (1 of 4 stars; one submission).

Conditions:
Severe combined immunodeficiency due to DNA-PKcs deficiency. Also called: IMMUNODEFICIENCY 26 WITH NEUROLOGIC ABNORMALITIES; Immunodeficiency 26 with or without neurologic abnormalities. Identifiers: Orphanet 317425, MedGen C4014833, MONDO:0014423, OMIM 615966.

Allele frequency attached by ClinVar (database versions not stated): gnomAD exomes below 0.00001 and 0.00001; ExAC 0.00001; gnomAD 0.00001 and 0.00002; TOPMed 0.00002.
gnomAD v4.1: 20 of 1,613,230 alleles (0.0012%); highest among the groups gnomAD compares: Non-Finnish European, 0.0017%; no homozygotes.

Submission:

Labcorp Genetics (formerly Invitae), Labcorp
Classification: Uncertain significance for Severe combined immunodeficiency due to DNA-PKcs deficiency. Last evaluated: 2022-08-09. Review status: criteria provided, single submitter. Criteria: Invitae Variant Classification Sherloc (09022015). Collection method: clinical testing. Allele origin: germline.
Comment: In summary, the available evidence is currently insufficient to determine the role of this variant in disease. Therefore, it has been classified as a Variant of Uncertain Significance. Experimental studies and prediction algorithms are not available or were not evaluated, and the functional significance of this variant is currently unknown. ClinVar contains an entry for this variant (Variation ID: 1435470). This variant has not been reported in the literature in individuals affected with PRKDC-related conditions. This variant is present in population databases (rs746882589, gnomAD 0.0009%). This sequence change replaces valine with methionine at codon 3208 of the PRKDC protein (p.Val3208Met). The valine residue is moderately conserved and there is a small physicochemical difference between valine and methionine.